The following is an entry in ClinVar:

NM_145649.5(GCNT2):c.*768G>A

Gene: GCNT2 (glucosaminyl (N-acetyl) transferase 2 (I blood group); plus strand). Cytogenetic location: 6p24.2.
Variant type: single nucleotide variant.
Coding change: c.*768G>A on transcript NM_145649.5 (MANE Select); 768 bases downstream of the stop codon, G replaced by A.
Molecular consequence: 3 prime UTR variant.
Genome position (GRCh38, 1-based): chr6:10,627,375, G>A. VCF-style: chr6-10627375-G-A. GRCh37 (hg19) VCF-style: chr6-10627608-G-A.
Other names: c.*768G>A (NM_001374747.1, NM_001491.3, NM_145655.4).
Identifiers: ClinVar variation 907157 (VCV000907157.4), dbSNP rs73437198, ClinGen allele CA134103766.

ClinVar aggregate classification (germline): Benign (1 of 4 stars; one submission).

Conditions:
Blood group, I system (Ii). Identifiers: MedGen C0020717, OMIM 110800.

Allele frequency attached by ClinVar (database versions not stated): gnomAD 0.00995 and 0.01075; TOPMed 0.01119; 1000 Genomes Project 0.01218; 1000 Genomes Project 30x 0.01218.

Submission:

Illumina Laboratory Services, Illumina
Classification: Benign for Blood group, I system. Last evaluated: 2018-01-13. Review status: criteria provided, single submitter. Criteria: ICSL Variant Classification Criteria 13 December 2019. Collection method: clinical testing. Allele origin: germline.
Comment: This variant was observed in the ICSL laboratory as part of a predisposition screen in an ostensibly healthy population. It had not been previously curated by ICSL or reported in the Human Gene Mutation Database (HGMD: prior to June 1st, 2018), and was therefore a candidate for classification through an automated scoring system. Utilizing variant allele frequency, disease prevalence and penetrance estimates, and inheritance mode, an automated score was calculated to assess if this variant is too frequent to cause the disease. Based on the score and internal cut-off values, a variant classified as benign is not then subjected to further curation. The score for this variant resulted in a classification of benign for this disease.